The following is an entry in ClinVar:

ClinVar aggregate classification (germline): Benign/Likely benign. Review status: criteria provided, multiple submitters, no conflicts (2 of 4 stars). 3 submissions from 3 submitters: Benign (1); Likely benign (1). 1 of the submissions does not count toward it. Last evaluated 2024-11-14.

Conditions:
GFI1B-related disorder. Also called: GFI1B-related condition.

Allele frequency attached by ClinVar (database versions not stated): gnomAD exomes 0.00017 and 0.00062; ExAC 0.00076; 1000 Genomes Project 0.00180; 1000 Genomes Project 30x 0.00187; gnomAD 0.00250 and 0.00276; TOPMed 0.00260; ESP Exome Variant Server 0.00277.
gnomAD v4.1: 642 of 1,614,216 alleles (0.04%); highest among the groups gnomAD compares: African/African-American, 0.75%; 4 homozygotes.

Submissions (3):

Blueprint Genetics
Classification: Likely benign. Last evaluated: 2024-11-14. Review status: criteria provided, single submitter. Criteria: ACMG Guidelines, 2015. Collection method: clinical testing. Allele origin: germline.

Genetic Services Laboratory, University of Chicago
Classification: Benign. Last evaluated: 2020-04-21. Review status: criteria provided, single submitter. Criteria: ACMG Guidelines, 2015. Collection method: clinical testing. Allele origin: germline. Affected: no.

PreventionGenetics, part of Exact Sciences
Classification: Likely benign for GFI1B-related condition. Last evaluated: 2022-06-09. Review status: no assertion criteria provided. Collection method: clinical testing. Allele origin: germline. Not counted in ClinVar's aggregate classification.
Comment: This variant is classified as likely benign based on ACMG/AMP sequence variant interpretation guidelines (Richards et al. 2015 PMID: 25741868, with internal and published modifications).

NM_001377304.1(GFI1B):c.148T>C (p.Phe50Leu)

Gene: GFI1B (growth factor independent 1B transcriptional repressor; plus strand). Cytogenetic location: 9q34.13.
Variant type: single nucleotide variant.
Coding change: c.148T>C on transcript NM_001377304.1 (MANE Select); coding-DNA position 148, T replaced by C.
Protein change: p.Phe50Leu; replaces phenylalanine 50 with leucine.
Molecular consequence: missense variant.
Genome position (GRCh38, 1-based): chr9:132,987,329, T>C. VCF-style: chr9-132987329-T-C. GRCh37 (hg19) VCF-style: chr9-135862716-T-C.
Other names: c.148T>C, p.Phe50Leu (NM_001135031.2, NM_001371908.1, NM_001377305.1 and 1 more transcripts); c.148T>C (NM_004188.6); short protein forms F50L.
Identifiers: ClinVar variation 1336060 (VCV001336060.7), dbSNP rs139685732, ClinGen allele CA5301847.